The following is an entry in ClinVar:

NM_004360.5(CDH1):c.1179C>T (p.Ile393=)

Gene: CDH1 (cadherin 1; plus strand). Cytogenetic location: 16q22.1.
Variant type: single nucleotide variant.
Coding change: c.1179C>T on transcript NM_004360.5 (MANE Select); coding-DNA position 1179, C replaced by T.
Protein change: p.Ile393=; no amino-acid change (isoleucine 393 retained).
Molecular consequence: synonymous variant. On other transcripts: 5 prime UTR variant (2), intron variant (1).
Genome position (GRCh38, 1-based): chr16:68,813,354, C>T. VCF-style: chr16-68813354-C-T. GRCh37 (hg19) VCF-style: chr16-68847257-C-T.
Other names: c.-437C>T (NM_001317185.2); c.-641C>T (NM_001317186.2); c.1137+1091C>T (NM_001317184.2).
Identifiers: ClinVar variation 1614339 (VCV001614339.9), dbSNP rs2152133374, ClinGen allele CA496392593.
Genomic context (GRCh38, chr16:68,813,354, plus strand): 5'-ACATCTCTTTGCTCTGCAGTACAAGGGTCAGGTGCCTGAGAACGAGGCTAACGTCGTAAT[C>T]ACCACACTGAAAGTGACTGATGCTGATGCCCCCAATACCCCAGCGTGGGAGGCTGTATAC-3'
Protein context (NP_004351.1, residues 383-403): QVPENEANVV[Ile393=]TTLKVTDADA

ClinVar aggregate classification (germline): Benign/Likely benign. Review status: criteria provided, multiple submitters, no conflicts (2 of 4 stars). 2 submissions from 2 submitters: Benign (1); Likely benign (1). Last evaluated 2024-09-18.

Conditions:
Hereditary diffuse gastric adenocarcinoma (HDGC). Also called: DIFFUSE GASTRIC AND LOBULAR BREAST CANCER SYNDROME. Identifiers: Orphanet 26106, MedGen C1708349, MONDO:0007648, OMIM 137215.

Submissions (2):

Myriad Genetics, Inc.
Classification: Benign for Hereditary diffuse gastric adenocarcinoma. Last evaluated: 2024-09-18. Review status: criteria provided, single submitter. Criteria: Myriad Autosomal Dominant, Autosomal Recessive and X-Linked Classification Criteria (2023). Collection method: clinical testing. Allele origin: unknown.
Comment: This variant is considered benign. This variant is a silent/synonymous amino acid change and it is not expected to impact splicing.

Labcorp Genetics (formerly Invitae), Labcorp
Classification: Likely benign for Hereditary diffuse gastric adenocarcinoma. Last evaluated: 2021-10-31. Review status: criteria provided, single submitter. Criteria: Invitae Variant Classification Sherloc (09022015). Collection method: clinical testing. Allele origin: germline.